The following is an entry in ClinVar:

NM_001379291.1(BRD4):c.2946C>T (p.Pro982=)

Gene: BRD4 (bromodomain containing 4; minus strand). Cytogenetic location: 19p13.12.
Variant type: single nucleotide variant.
Coding change: c.2946C>T on transcript NM_001379291.1 (MANE Select); coding-DNA position 2946, C replaced by T.
Protein change: p.Pro982=; no amino-acid change (proline 982 retained).
Molecular consequence: synonymous variant.
Genome position (GRCh38, 1-based): chr19:15,243,123, G>A on the plus strand (C>T on the coding strand, the complement: BRD4 is on the minus strand). VCF-style: chr19-15243123-G-A. GRCh37 (hg19) VCF-style: chr19-15353934-G-A.
Other names: c.2946C>T, p.Pro982= (NM_058243.3).
Identifiers: ClinVar variation 2649450 (VCV002649450.24), dbSNP rs550633083, ClinGen allele CA305788910.

ClinVar aggregate classification (germline): Likely benign (1 of 4 stars; one submission).

Allele frequency attached by ClinVar (database versions not stated): 1000 Genomes Project 0.00020.

Submission:

CeGaT Center for Human Genetics Tuebingen
Classification: Likely benign. Last evaluated: 2022-03-01. Review status: criteria provided, single submitter. Criteria: CeGaT Center For Human Genetics Tuebingen Variant Classification Criteria Version 2. Collection method: clinical testing. Allele origin: germline. Affected: yes. Observed: 1 variant allele.
Comment: BRD4: PM2:Supporting, BP4, BP7